The following is an entry in ClinVar:

ClinVar aggregate classification (germline): Uncertain significance (1 of 4 stars; one submission).

Conditions:
Duchenne muscular dystrophy (DMD). Also called: MUSCULAR DYSTROPHY, PSEUDOHYPERTROPHIC PROGRESSIVE, DUCHENNE TYPE; Duchenne Muscular Dystrophy (DMD). Identifiers: Orphanet 98896, MedGen C0013264, MONDO:0010679, OMIM 310200.

Submission:

Labcorp Genetics (formerly Invitae), Labcorp
Classification: Uncertain significance for Duchenne muscular dystrophy. Last evaluated: 2024-08-31. Review status: criteria provided, single submitter. Criteria: Invitae Variant Classification Sherloc (09022015). Collection method: clinical testing. Allele origin: germline.
Comment: This sequence change replaces glutamine, which is neutral and polar, with glutamic acid, which is acidic and polar, at codon 2898 of the DMD protein (p.Gln2898Glu). This variant is not present in population databases (gnomAD no frequency). This variant has not been reported in the literature in individuals affected with DMD-related conditions. Invitae Evidence Modeling of protein sequence and biophysical properties (such as structural, functional, and spatial information, amino acid conservation, physicochemical variation, residue mobility, and thermodynamic stability) indicates that this missense variant is not expected to disrupt DMD protein function with a negative predictive value of 95%. In summary, the available evidence is currently insufficient to determine the role of this variant in disease. Therefore, it has been classified as a Variant of Uncertain Significance.

NM_004006.3(DMD):c.8692C>G (p.Gln2898Glu)

Gene: DMD (dystrophin; minus strand). Cytogenetic location: Xp21.2.
Variant type: single nucleotide variant.
Coding change: c.8692C>G on transcript NM_004006.3 (MANE Select); coding-DNA position 8692, C replaced by G.
Protein change: p.Gln2898Glu; replaces glutamine 2898 with glutamic acid.
Molecular consequence: missense variant.
Genome position (GRCh38, 1-based): chrX:31,478,351, G>C on the plus strand (C>G on the coding strand, the complement: DMD is on the minus strand). VCF-style: chrX-31478351-G-C. GRCh37 (hg19) VCF-style: chrX-31496468-G-C.
Other names: c.8668C>G, p.Gln2890Glu (NM_000109.4); c.8680C>G, p.Gln2894Glu (NM_004009.3); c.8323C>G, p.Gln2775Glu (NM_004010.3); c.4669C>G, p.Gln1557Glu (NM_004011.4); c.4660C>G, p.Gln1554Glu (NM_004012.4); c.1312C>G, p.Gln438Glu (NM_004013.3, NM_004020.4, NM_004021.3 and 2 more transcripts); c.505C>G, p.Gln169Glu (NM_004014.3); short protein forms Q2775E, Q2898E, Q1557E, Q2890E, Q2894E, Q1554E, Q169E, Q438E.
Identifiers: ClinVar variation 3634797 (VCV003634797.2).